The following is an entry in ClinVar:

NM_000260.4(MYO7A):c.72C>T (p.Ile24=)

Gene: MYO7A (myosin VIIA; plus strand). Cytogenetic location: 11q13.5.
Variant type: single nucleotide variant.
Coding change: c.72C>T on transcript NM_000260.4 (MANE Select); coding-DNA position 72, C replaced by T.
Protein change: p.Ile24=; no amino-acid change (isoleucine 24 retained).
Molecular consequence: synonymous variant.
Genome position (GRCh38, 1-based): chr11:77,142,762, C>T. VCF-style: chr11-77142762-C-T. GRCh37 (hg19) VCF-style: chr11-76853808-C-T.
Other names: c.72C>T, p.Ile24= (NM_001127180.2); c.39C>T, p.Ile13= (NM_001369365.1).
Identifiers: ClinVar variation 43341 (VCV000043341.13), dbSNP rs397516334, ClinGen allele CA132449.
Genomic context (GRCh38, chr11:77,142,762, plus strand): 5'-CCCATAGGGGGACCATGTGTGGATGGACCTGAGATTGGGGCAGGAGTTCGACGTGCCCAT[C>T]GGGGCGGTGGTGAAGCTCTGCGACTCTGGGCAGGTCCAGGTGGTGGATGATGAAGACAAT-3'
Protein context (NP_000251.3, residues 14-34): LRLGQEFDVP[Ile24=]GAVVKLCDSG

ClinVar aggregate classification (germline): Likely benign. Review status: criteria provided, multiple submitters, no conflicts (2 of 4 stars). 2 submissions from 2 submitters: Likely benign (2). Last evaluated 2024-10-15.

Allele frequency attached by ClinVar (database versions not stated): gnomAD exomes below 0.00001 and 0.00001; gnomAD 0.00002; TOPMed 0.00003.

Submissions (2):

Labcorp Genetics (formerly Invitae), Labcorp
Classification: Likely benign. Last evaluated: 2024-10-15. Review status: criteria provided, single submitter. Criteria: Invitae Variant Classification Sherloc (09022015). Collection method: clinical testing. Allele origin: germline.

Laboratory for Molecular Medicine, Mass General Brigham Personalized Medicine
Classification: Likely benign. Last evaluated: 2011-03-30. Review status: criteria provided, single submitter. Criteria: LMM Criteria. Collection method: clinical testing. Allele origin: germline. Observed: 1 variant allele.
Comment: The Ile24Ile variant in MYO7A has not been reported in the literature nor previo usly identified by our laboratory. This variant is not expected to have clinical significance since it does not alter an amino acid residue and is not located n ear a splice junction.